The following is an entry in ClinVar:

NM_001323289.2(CDKL5):c.2695C>G (p.Pro899Ala)

Gene: CDKL5 (cyclin dependent kinase like 5; plus strand). Cytogenetic location: Xp22.13.
Variant type: single nucleotide variant.
Coding change: c.2695C>G on transcript NM_001323289.2 (MANE Select); coding-DNA position 2695, C replaced by G.
Protein change: p.Pro899Ala; replaces proline 899 with alanine.
Molecular consequence: missense variant.
Genome position (GRCh38, 1-based): chrX:18,628,569, C>G. VCF-style: chrX-18628569-C-G. GRCh37 (hg19) VCF-style: chrX-18646689-C-G.
Other names: c.2695C>G, p.Pro899Ala (NM_001037343.2, NM_003159.3); short protein forms P899A.
Identifiers: ClinVar variation 2941902 (VCV002941902.3), dbSNP rs2518899156, ClinGen allele CA412368115.
Genomic context (GRCh38, chrX:18,628,569, plus strand): 5'-CTGAGCCAGGCCTCTGGCGGGAGCAGCAACATCCGGCAGGAACCCGCACCGAAGGGCAGG[C>G]CAGCCCTCCAGCTGCCAGGTCAGATGGATCCTGGTTGGCATGTGTCCTCTGTGACCAGGA-3'
Protein context (NP_001310218.1, residues 889-909): IRQEPAPKGR[Pro899Ala]ALQLPGQMDP

ClinVar aggregate classification (germline): Uncertain significance (1 of 4 stars; one submission).

Conditions:
Developmental and epileptic encephalopathy, 2 (DEE2). Also called: INFANTILE SPASM SYNDROME, X-LINKED 2; CDKL5 deficiency disorder. Identifiers: Orphanet 1934, Orphanet 3451, Orphanet 505652, MedGen C4750718, MONDO:0010396, OMIM 300672.
Angelman syndrome-like. Identifiers: MedGen CN128785.

Allele frequency attached by ClinVar (database versions not stated): gnomAD exomes 0.00001.
gnomAD v4.1: 5 of 1,211,731 alleles (0.00041%); highest among the groups gnomAD compares: Non-Finnish European, 0.00056%; no homozygotes.

Submission:

Labcorp Genetics (formerly Invitae), Labcorp
Classification: Uncertain significance for Developmental and epileptic encephalopathy, 2; Angelman syndrome-like. Last evaluated: 2024-05-15. Review status: criteria provided, single submitter. Criteria: Invitae Variant Classification Sherloc (09022015). Collection method: clinical testing. Allele origin: germline.
Comment: This sequence change replaces proline, which is neutral and non-polar, with alanine, which is neutral and non-polar, at codon 899 of the CDKL5 protein (p.Pro899Ala). This variant is not present in population databases (gnomAD no frequency). This variant has not been reported in the literature in individuals affected with CDKL5-related conditions. Advanced modeling of protein sequence and biophysical properties (such as structural, functional, and spatial information, amino acid conservation, physicochemical variation, residue mobility, and thermodynamic stability) performed at Invitae indicates that this missense variant is not expected to disrupt CDKL5 protein function with a negative predictive value of 95%. In summary, the available evidence is currently insufficient to determine the role of this variant in disease. Therefore, it has been classified as a Variant of Uncertain Significance.